The following is an entry in ClinVar:

NM_000553.6(WRN):c.2789T>C (p.Met930Thr)

Gene: WRN (WRN RecQ like helicase; plus strand). Cytogenetic location: 8p12.
Variant type: single nucleotide variant.
Coding change: c.2789T>C on transcript NM_000553.6 (MANE Select); coding-DNA position 2789, T replaced by C.
Protein change: p.Met930Thr; replaces methionine 930 with threonine.
Molecular consequence: missense variant.
Genome position (GRCh38, 1-based): chr8:31,124,964, T>C. VCF-style: chr8-31124964-T-C. GRCh37 (hg19) VCF-style: chr8-30982480-T-C.
Other names: short protein forms M930T.
Identifiers: ClinVar variation 648723 (VCV000648723.1), dbSNP rs777323246, ClinGen allele CA4704850.

ClinVar aggregate classification (germline): Uncertain significance (1 of 4 stars; one submission).

Conditions:
Werner syndrome (WRN). Identifiers: Orphanet 902, MedGen C0043119, MONDO:0010196, OMIM 277700.

Allele frequency attached by ClinVar (database versions not stated): ExAC 0.00001; gnomAD exomes 0.00001.
gnomAD v4.1: 5 of 1,613,234 alleles (0.00031%); highest among the groups gnomAD compares: East Asian, 0.0022%; no homozygotes.

Submission:

Labcorp Genetics (formerly Invitae), Labcorp
Classification: Uncertain significance for Werner syndrome. Last evaluated: 2018-10-22. Review status: criteria provided, single submitter. Criteria: Invitae Variant Classification Sherloc (09022015). Collection method: clinical testing. Allele origin: germline.
Comment: This sequence change replaces methionine with threonine at codon 930 of the WRN protein (p.Met930Thr). The methionine residue is moderately conserved and there is a moderate physicochemical difference between methionine and threonine. This variant is present in population databases (rs777323246, ExAC 0.01%). This variant has not been reported in the literature in individuals with WRN-related disease. Algorithms developed to predict the effect of missense changes on protein structure and function output the following: SIFT: "Deleterious"; PolyPhen-2: "Benign"; Align-GVGD: "Class C0". The threonine amino acid residue is found in multiple mammalian species, suggesting that this missense change does not adversely affect protein function. These predictions have not been confirmed by published functional studies and their clinical significance is uncertain. In summary, the available evidence is currently insufficient to determine the role of this variant in disease. Therefore, it has been classified as a Variant of Uncertain Significance.